The following is an entry in ClinVar:

ClinVar aggregate classification (germline): Likely benign. Review status: criteria provided, multiple submitters, no conflicts (2 of 4 stars). 4 submissions from 4 submitters: Likely benign (4). Last evaluated 2026-01-28.

Conditions:
Hereditary cancer-predisposing syndrome. Also called: Neoplastic Syndromes, Hereditary; Tumor predisposition; Hereditary Cancer Syndrome; Hereditary neoplastic syndrome. Identifiers: Orphanet 140162, MedGen C0027672, MeSH D009386, MONDO:0015356.
Ataxia-telangiectasia syndrome (AT). Also called: ATAXIA-TELANGIECTASIA, COMPLEMENTATION GROUP A; ATAXIA-TELANGIECTASIA, FRESNO VARIANT; Ataxia-telangiectasia; Ataxia-telangiectasia, complementation group D; AT, COMPLEMENTATION GROUP C; Ataxia-telangiectasia, complementation group E. Identifiers: Orphanet 100, MedGen C0004135, MONDO:0008840, OMIM 208900.
Familial cancer of breast. Also called: hereditary breast carcinoma; BREAST CANCER, FAMILIAL; Hereditary breast cancer. Identifiers: Orphanet 227535, MedGen C0346153, MONDO:0016419, OMIM 114480. Disease mechanism: loss of function.

Allele frequency attached by ClinVar (database versions not stated): gnomAD exomes below 0.00001; ExAC 0.00001; gnomAD 0.00001; TOPMed 0.00001.
gnomAD v4.1: 2 of 1,593,536 alleles (0.00013%); highest among the groups gnomAD compares: African/African-American, 0.0027%; no homozygotes.

Submissions (4):

Labcorp Genetics (formerly Invitae), Labcorp
Classification: Likely benign for Ataxia-telangiectasia syndrome. Last evaluated: 2026-01-28. Review status: criteria provided, single submitter. Criteria: Invitae Variant Classification Sherloc (09022015). Collection method: clinical testing. Allele origin: germline.

Color Diagnostics, LLC DBA Color Health
Classification: Likely benign for Hereditary cancer-predisposing syndrome. Last evaluated: 2024-07-01. Review status: criteria provided, single submitter. Criteria: ACMG Guidelines, 2015. Collection method: clinical testing. Allele origin: germline.

Myriad Genetics, Inc.
Classification: Likely benign for Familial cancer of breast. Last evaluated: 2024-05-17. Review status: criteria provided, single submitter. Criteria: Myriad Autosomal Dominant, Autosomal Recessive and X-Linked Classification Criteria (2023). Collection method: clinical testing. Allele origin: unknown.
Comment: This variant is considered likely benign. This variant is intronic and is not expected to impact mRNA splicing.

GeneDx
Classification: Likely benign. Last evaluated: 2018-01-19. Review status: criteria provided, single submitter. Criteria: GeneDx Variant Classification (06012015). Collection method: clinical testing. Allele origin: germline. Affected: yes.
Comment: This variant is considered likely benign or benign based on one or more of the following criteria: it is a conservative change, it occurs at a poorly conserved position in the protein, it is predicted to be benign by multiple in silico algorithms, and/or has population frequency not consistent with disease.

NM_000051.4(ATM):c.4237-13G>A

Gene: ATM (ATM serine/threonine kinase; plus strand). Cytogenetic location: 11q22.3.
Variant type: single nucleotide variant.
Coding change: c.4237-13G>A on transcript NM_000051.4 (MANE Select); 13 bases into the intron before coding-DNA position 4237, G replaced by A.
Molecular consequence: intron variant.
Genome position (GRCh38, 1-based): chr11:108,289,589, G>A. VCF-style: chr11-108289589-G-A. GRCh37 (hg19) VCF-style: chr11-108160316-G-A.
Other names: c.4237-13G>A (NM_001351834.2).
Identifiers: ClinVar variation 515107 (VCV000515107.7), dbSNP rs778685615, ClinGen allele CA6265427.